The following is an entry in ClinVar:

NM_173660.5(DOK7):c.691G>A (p.Val231Met)

Genes: DOK7 (docking protein 7; plus strand), LOC129992118 (ATAC-STARR-seq lymphoblastoid silent region 15206; plus strand). Cytogenetic location: 4p16.3.
Variant type: single nucleotide variant.
Coding change: c.691G>A on transcript NM_173660.5 (MANE Select); coding-DNA position 691, G replaced by A.
Protein change: p.Val231Met; replaces valine 231 with methionine.
Molecular consequence: missense variant. On other transcripts: 5 prime UTR variant (1).
Genome position (GRCh38, 1-based): chr4:3,489,715, G>A. VCF-style: chr4-3489715-G-A. GRCh37 (hg19) VCF-style: chr4-3491442-G-A.
Other names: c.680G>A, p.Cys227Tyr (NM_001164673.2); c.-240G>A (NM_001256896.2); c.691G>A, p.Val231Met (NM_001301071.2); c.259G>A, p.Val87Met (NM_001363811.2); short protein forms C227Y, V87M, V231M.
Identifiers: ClinVar variation 651029 (VCV000651029.6), dbSNP rs369297851, ClinGen allele CA2829153.

ClinVar aggregate classification (germline): Uncertain significance (1 of 4 stars; one submission).

Conditions:
Congenital myasthenic syndrome 10. Also called: Myasthenia, limb-girdle, familial. Identifiers: Orphanet 590, MedGen C1850792, MONDO:0009690, OMIM 254300.
Fetal akinesia deformation sequence 1 (FADS1). Also called: Pena-Shokeir syndrome type I; Fetal akinesia sequence. Identifiers: Orphanet 994, MedGen C1276035, MONDO:0100101, OMIM 208150, HP:0001989.

Allele frequency attached by ClinVar (database versions not stated): gnomAD 0.00001; TOPMed 0.00001; ESP Exome Variant Server 0.00008.
gnomAD v4.1: 6 of 1,564,750 alleles (0.00038%); highest among the groups gnomAD compares: Middle Eastern, 0.017%; no homozygotes.

Submission:

Labcorp Genetics (formerly Invitae), Labcorp
Classification: Uncertain significance for Congenital myasthenic syndrome 10; Fetal akinesia deformation sequence 1. Last evaluated: 2021-09-01. Review status: criteria provided, single submitter. Criteria: Invitae Variant Classification Sherloc (09022015). Collection method: clinical testing. Allele origin: germline.
Comment: This sequence change replaces valine with methionine at codon 231 of the DOK7 protein (p.Val231Met). The valine residue is moderately conserved and there is a small physicochemical difference between valine and methionine. The frequency data for this variant in the population databases is considered unreliable, as metrics indicate poor data quality at this position in the ExAC database. This variant has not been reported in the literature in individuals affected with DOK7-related conditions. Algorithms developed to predict the effect of missense changes on protein structure and function are either unavailable or do not agree on the potential impact of this missense change (SIFT: "Deleterious"; PolyPhen-2: "Benign"; Align-GVGD: "Class C0"). In summary, the available evidence is currently insufficient to determine the role of this variant in disease. Therefore, it has been classified as a Variant of Uncertain Significance.